The following is an entry in ClinVar:

ClinVar aggregate classification (germline): Uncertain significance (1 of 4 stars; one submission).

Submission:

CeGaT Center for Human Genetics Tuebingen
Classification: Uncertain significance. Last evaluated: 2026-06-01. Review status: criteria provided, single submitter. Criteria: CeGaT Center For Human Genetics Tuebingen Variant Classification Criteria Version 2. Collection method: clinical testing. Allele origin: germline. Affected: yes. Observed: 1 variant allele.
Comment: KDM4B: PM2, BP4

NM_015015.3(KDM4B):c.1419C>A (p.Phe473Leu)

Gene: KDM4B (lysine demethylase 4B; plus strand). Cytogenetic location: 19p13.3.
Variant type: single nucleotide variant.
Coding change: c.1419C>A on transcript NM_015015.3 (MANE Select); coding-DNA position 1419, C replaced by A.
Protein change: p.Phe473Leu; replaces phenylalanine 473 with leucine.
Molecular consequence: missense variant.
Genome position (GRCh38, 1-based): chr19:5,131,179, C>A. VCF-style: chr19-5131179-C-A. GRCh37 (hg19) VCF-style: chr19-5131190-C-A.
Other names: c.1521C>A, p.Phe507Leu (NM_001411148.1); short protein forms F473L, F507L.
Identifiers: ClinVar variation 4875077 (VCV004875077.2).